The following is an entry in ClinVar:

NM_033118.4(MYLK2):c.223G>A (p.Gly75Ser)

Gene: MYLK2 (myosin light chain kinase 2; plus strand). Cytogenetic location: 20q11.21.
Variant type: single nucleotide variant.
Coding change: c.223G>A on transcript NM_033118.4 (MANE Select); coding-DNA position 223, G replaced by A.
Protein change: p.Gly75Ser; replaces glycine 75 with serine.
Molecular consequence: missense variant.
Genome position (GRCh38, 1-based): chr20:31,820,296, G>A. VCF-style: chr20-31820296-G-A. GRCh37 (hg19) VCF-style: chr20-30408099-G-A.
Other names: short protein forms G75S.
Identifiers: ClinVar variation 864386 (VCV000864386.9), dbSNP rs746102821, ClinGen allele CA9802864.
Genomic context (GRCh38, chr20:31,820,296, plus strand): 5'-AAAGCCCCTGCCTCAGAGAAAGGGGATGGTACCCTGGCCCAACCCTCAACTAGCAGCCAA[G>A]GCCCCAAAGGAGAGGGTGACAGGGGCGGGGGGCCCGCGGAGGGCAGTGCTGGGCCCCCGG-3'
Protein context (NP_149109.1, residues 65-85): TLAQPSTSSQ[Gly75Ser]PKGEGDRGGG

ClinVar aggregate classification (germline): Uncertain significance (1 of 4 stars; one submission).

Conditions:
Hypertrophic cardiomyopathy 1 (CMH1). Also called: MYH7-Related Familial Hypertrophic Cardiomyopathy; Familial hypertrophic cardiomyopathy 1. Identifiers: MedGen C3495498, MONDO:0008647, OMIM 192600.

Allele frequency attached by ClinVar (database versions not stated): gnomAD exomes below 0.00001 and 0.00003; ExAC 0.00004; TOPMed 0.00005; gnomAD 0.00007.

Submission:

Labcorp Genetics (formerly Invitae), Labcorp
Classification: Uncertain significance for Hypertrophic cardiomyopathy 1. Last evaluated: 2025-02-11. Review status: criteria provided, single submitter. Criteria: Invitae Variant Classification Sherloc (09022015). Collection method: clinical testing. Allele origin: germline.
Comment: This sequence change replaces glycine, which is neutral and non-polar, with serine, which is neutral and polar, at codon 75 of the MYLK2 protein (p.Gly75Ser). This variant is present in population databases (rs746102821, gnomAD 0.03%). This variant has not been reported in the literature in individuals affected with MYLK2-related conditions. ClinVar contains an entry for this variant (Variation ID: 864386). Invitae Evidence Modeling of protein sequence and biophysical properties (such as structural, functional, and spatial information, amino acid conservation, physicochemical variation, residue mobility, and thermodynamic stability) indicates that this missense variant is not expected to disrupt MYLK2 protein function with a negative predictive value of 80%. In summary, the available evidence is currently insufficient to determine the role of this variant in disease. Therefore, it has been classified as a Variant of Uncertain Significance.